The following is an entry in ClinVar:

ClinVar aggregate classification (germline): Uncertain significance (1 of 4 stars; one submission).

gnomAD v4.1: 3 of 1,614,024 alleles (0.00019%); highest among the groups gnomAD compares: Non-Finnish European, 0.00025%; no homozygotes.

Submission:

GeneDx
Classification: Uncertain significance. Last evaluated: 2022-01-24. Review status: criteria provided, single submitter. Criteria: GeneDx Variant Classification Process June 2021. Collection method: clinical testing. Allele origin: germline. Affected: yes.
Comment: Not observed at significant frequency in large population cohorts (gnomAD); In silico analysis supports that this missense variant has a deleterious effect on protein structure/function; Has not been previously published as pathogenic or benign to our knowledge

NM_000742.4(CHRNA2):c.1437C>G (p.His479Gln)

Gene: CHRNA2 (cholinergic receptor nicotinic alpha 2 subunit; minus strand). Cytogenetic location: 8p21.2.
Variant type: single nucleotide variant.
Coding change: c.1437C>G on transcript NM_000742.4 (MANE Select); coding-DNA position 1437, C replaced by G.
Protein change: p.His479Gln; replaces histidine 479 with glutamine.
Molecular consequence: missense variant.
Genome position (GRCh38, 1-based): chr8:27,463,006, G>C on the plus strand (C>G on the coding strand, the complement: CHRNA2 is on the minus strand). VCF-style: chr8-27463006-G-C. GRCh37 (hg19) VCF-style: chr8-27320523-G-C.
Other names: c.1392C>G, p.His464Gln (NM_001282455.2); c.960C>G, p.His320Gln (NM_001347705.2, NM_001347706.2); c.843C>G, p.His281Gln (NM_001347707.2, NM_001347708.2); short protein forms H281Q, H320Q, H464Q, H479Q.
Identifiers: ClinVar variation 1698092 (VCV001698092.2), dbSNP rs374849310, ClinGen allele CA370807781.